The following is an entry in ClinVar:

ClinVar aggregate classification (germline): Uncertain significance (1 of 4 stars; one submission).

Conditions:
Hereditary cancer-predisposing syndrome. Also called: Neoplastic Syndromes, Hereditary; Tumor predisposition; Hereditary Cancer Syndrome; Hereditary neoplastic syndrome. Identifiers: Orphanet 140162, MedGen C0027672, MeSH D009386, MONDO:0015356.

gnomAD v4.1: 3 of 1,442,450 alleles (0.00021%); highest among the groups gnomAD compares: African/African-American, 0.0043%; no homozygotes.

Submission:

Ambry Genetics
Classification: Uncertain significance for Hereditary cancer-predisposing syndrome. Last evaluated: 2025-12-20. Review status: criteria provided, single submitter. Criteria: Ambry Variant Classification Scheme 2023. Collection method: clinical testing. Allele origin: germline.
Comment: The p.A265E variant (also known as c.794C>A), located in coding exon 3 of the PHOX2B gene, results from a C to A substitution at nucleotide position 794. The alanine at codon 265 is replaced by glutamic acid, an amino acid with dissimilar properties. This amino acid position is conserved. In addition, the in silico prediction for this alteration is inconclusive. Based on the available evidence, the clinical significance of this variant remains unclear.

NM_003924.4(PHOX2B):c.794C>A (p.Ala265Glu)

Gene: PHOX2B (paired like homeobox 2B; minus strand). Cytogenetic location: 4p13.
Variant type: single nucleotide variant.
Coding change: c.794C>A on transcript NM_003924.4 (MANE Select); coding-DNA position 794, C replaced by A.
Protein change: p.Ala265Glu; replaces alanine 265 with glutamic acid.
Molecular consequence: missense variant.
Genome position (GRCh38, 1-based): chr4:41,745,958, G>T on the plus strand (C>A on the coding strand, the complement: PHOX2B is on the minus strand). VCF-style: chr4-41745958-G-T. GRCh37 (hg19) VCF-style: chr4-41747975-G-T.
Other names: short protein forms A265E.
Identifiers: ClinVar variation 4842467 (VCV004842467.1).